The following is an entry in ClinVar:

NM_017780.4(CHD7):c.4483A>G (p.Thr1495Ala)

Gene: CHD7 (chromodomain helicase DNA binding protein 7; plus strand). Cytogenetic location: 8q12.2.
Variant type: single nucleotide variant.
Coding change: c.4483A>G on transcript NM_017780.4 (MANE Select); coding-DNA position 4483, A replaced by G.
Protein change: p.Thr1495Ala; replaces threonine 1495 with alanine.
Molecular consequence: missense variant. On other transcripts: intron variant (1).
Genome position (GRCh38, 1-based): chr8:60,838,205, A>G. VCF-style: chr8-60838205-A-G. GRCh37 (hg19) VCF-style: chr8-61750764-A-G.
Other names: c.1717-24024A>G (NM_001316690.1); short protein forms T1495A.
Identifiers: ClinVar variation 3614911 (VCV003614911.2).

ClinVar aggregate classification (germline): Uncertain significance (1 of 4 stars; one submission).

Conditions:
CHARGE syndrome (CHARGE). Also called: Hittner Hirsch Kreh syndrome; CHARGE ASSOCIATION--COLOBOMA, HEART ANOMALY, CHOANAL ATRESIA, RETARDATION, GENITAL AND EAR ANOMALIES; Coloboma, heart anomaly, choanal atresia, retardation, genital and ear anomalies; CHARGE association; Hall-Hittner syndrome. Identifiers: Orphanet 138, MedGen C0265354, MONDO:0008965.

gnomAD v4.1: 1 of 1,603,452 alleles (0.000062%); highest among the groups gnomAD compares: Non-Finnish European, 0.000085%; no homozygotes.

Submission:

Labcorp Genetics (formerly Invitae), Labcorp
Classification: Uncertain significance for CHARGE syndrome. Last evaluated: 2025-05-30. Review status: criteria provided, single submitter. Criteria: Invitae Variant Classification Sherloc (09022015). Collection method: clinical testing. Allele origin: germline.
Comment: This sequence change replaces threonine, which is neutral and polar, with alanine, which is neutral and non-polar, at codon 1495 of the CHD7 protein (p.Thr1495Ala). This variant is not present in population databases (gnomAD no frequency). This variant has not been reported in the literature in individuals affected with CHD7-related conditions. ClinVar contains an entry for this variant (Variation ID: 3614911). Invitae Evidence Modeling of protein sequence and biophysical properties (such as structural, functional, and spatial information, amino acid conservation, physicochemical variation, residue mobility, and thermodynamic stability) indicates that this missense variant is not expected to disrupt CHD7 protein function with a negative predictive value of 80%. In summary, the available evidence is currently insufficient to determine the role of this variant in disease. Therefore, it has been classified as a Variant of Uncertain Significance.